The following is an entry in ClinVar:

ClinVar aggregate classification (germline): Conflicting classifications of pathogenicity. Review status: criteria provided, conflicting classifications (1 of 4 stars). 7 submissions from 7 submitters: Uncertain significance (5); Likely benign (1). 1 of the submissions does not count toward it. Last evaluated 2026-01-16.

Conditions:
Hereditary nonpolyposis colorectal neoplasms. Identifiers: MedGen C0009405, MeSH D003123.
Hereditary cancer-predisposing syndrome. Also called: Neoplastic Syndromes, Hereditary; Tumor predisposition; Hereditary Cancer Syndrome; Hereditary neoplastic syndrome. Identifiers: Orphanet 140162, MedGen C0027672, MeSH D009386, MONDO:0015356.
Lynch syndrome. Identifiers: Orphanet 144, MedGen C4552100, MONDO:0005835. Disease mechanism: loss of function.
Lynch syndrome 5 (LYNCH5). Also called: Colorectal cancer, hereditary nonpolyposis, type 5; Hereditary non-polyposis colorectal cancer, type 5. Identifiers: Orphanet 144, MedGen C1833477, MONDO:0013710, OMIM 614350. Disease mechanism: loss of function.

Allele frequency attached by ClinVar (database versions not stated): gnomAD 0.00006.
gnomAD v4.1: 30 of 1,604,754 alleles (0.0019%); highest among the groups gnomAD compares: Non-Finnish European, 0.0025%; no homozygotes.

Submissions (7):

Labcorp Genetics (formerly Invitae), Labcorp
Classification: Likely benign for Hereditary nonpolyposis colorectal neoplasms. Last evaluated: 2026-01-16. Review status: criteria provided, single submitter. Criteria: Invitae Variant Classification Sherloc (09022015). Collection method: clinical testing. Allele origin: germline.

Ambry Genetics
Classification: Uncertain significance for Hereditary cancer-predisposing syndrome. Last evaluated: 2024-06-05. Review status: criteria provided, single submitter. Criteria: Ambry Variant Classification Scheme 2023. Collection method: clinical testing. Allele origin: germline.
Comment: The p.Y969F variant (also known as c.2906A>T), located in coding exon 4 of the MSH6 gene, results from an A to T substitution at nucleotide position 2906. The tyrosine at codon 969 is replaced by phenylalanine, an amino acid with highly similar properties. This amino acid position is well conserved in available vertebrate species. In addition, the in silico prediction for this alteration is inconclusive. Based on the available evidence, the clinical significance of this variant remains unclear.

All of Us Research Program, National Institutes of Health
Classification: Uncertain significance for Lynch syndrome. Last evaluated: 2023-11-02. Review status: criteria provided, single submitter. Criteria: ACMG Guidelines, 2015. Collection method: clinical testing. Allele origin: germline. Inheritance: Autosomal dominant inheritance. Observed: 1 variant allele, 1 heterozygote.
Comment: This missense variant replaces tyrosine with phenylalanine at codon 969 of the MSH6 protein. Computational prediction tools and conservation analyses are inconclusive regarding the impact of this variant on the protein function. A different variant affecting the same codon, c.2906A>G (p.Tyr969Cys), is considered to be likely disease-causing (ClinVar variation ID: 234622), suggesting that Tyr or similar amino acid at this position is important for protein function. Computational splicing tools suggest that this variant may not impact RNA splicing. To our knowledge, functional assays have not been performed for this variant nor has this variant been reported in individuals affected with hereditary cancer in the literature. This variant has been identified in 4/274208 chromosomes in the general population by the Genome Aggregation Database (gnomAD). Available evidence is insufficient to determine the role of this variant in disease conclusively. Therefore, this variant is classified as a Variant of Uncertain Significance.

This study involves interpretation of variants in research participants for the purpose of population health screening. Participant phenotype was not available at the time of variant classification. Additional details can be found in publication PMID: 35346344, PMCID: PMC8962531

Color Diagnostics, LLC DBA Color Health
Classification: Uncertain significance for Hereditary cancer-predisposing syndrome. Last evaluated: 2023-10-11. Review status: criteria provided, single submitter. Criteria: ACMG Guidelines, 2015. Collection method: clinical testing. Allele origin: germline.
Comment: This missense variant replaces tyrosine with phenylalanine at codon 969 of the MSH6 protein. Computational prediction is inconclusive regarding the impact of this variant on protein structure and function (internally defined REVEL score threshold 0.5 < inconclusive < 0.7, PMID: 27666373). To our knowledge, functional studies have not been reported for this variant. This variant has been reported in an individual affected by skin melanoma (PMID: 29684080). This variant has been identified in 4/274208 chromosomes in the general population by the Genome Aggregation Database (gnomAD). Different variants affecting the same codon, c.2906A>G (p.Tyr969Cys) and c.2905T>C (p.Tyr969His), are considered to be likely disease-causing (ClinVar variation ID: 234622, 433916), suggesting that Tyr at this position is important for protein function. Available evidence is insufficient to determine the role of this variant in disease conclusively. Therefore, this variant is classified as a Variant of Uncertain Significance.

Myriad Genetics, Inc.
Classification: Uncertain significance for Lynch syndrome 5. Last evaluated: 2023-03-29. Review status: criteria provided, single submitter. Criteria: Myriad Autosomal Dominant, Autosomal Recessive and X-Linked Classification Criteria (2023). Collection method: clinical testing. Allele origin: unknown.
Comment: This variant is classified as a variant of uncertain significance as there is insufficient evidence to determine its impact on protein function and/or cancer risk.

GeneDx
Classification: Uncertain significance. Last evaluated: 2022-04-04. Review status: criteria provided, single submitter. Criteria: GeneDx Variant Classification Process June 2021. Collection method: clinical testing. Allele origin: germline. Affected: yes.
Comment: Not observed at significant frequency in large population cohorts (gnomAD); In silico analysis supports that this missense variant does not alter protein structure/function; Has not been previously published as pathogenic or benign to our knowledge; This variant is associated with the following publications: (PMID: 17531815, 21120944)

Counsyl
Classification: Uncertain significance for Lynch syndrome 5. Last evaluated: 2016-07-14. Review status: no assertion criteria provided. Collection method: clinical testing. Allele origin: unknown. Not counted in ClinVar's aggregate classification.

Literature cited by the submitters: PubMed 29684080 (cited by Color Diagnostics, LLC DBA Color Health); PubMed 24393486 (cited by Counsyl).

NM_000179.3(MSH6):c.2906A>T (p.Tyr969Phe)

Gene: MSH6 (mutS homolog 6; plus strand). Cytogenetic location: 2p16.3.
Variant type: single nucleotide variant.
Coding change: c.2906A>T on transcript NM_000179.3 (MANE Select); coding-DNA position 2906, A replaced by T.
Protein change: p.Tyr969Phe; replaces tyrosine 969 with phenylalanine.
Molecular consequence: missense variant.
Genome position (GRCh38, 1-based): chr2:47,800,889, A>T. VCF-style: chr2-47800889-A-T. GRCh37 (hg19) VCF-style: chr2-48028028-A-T.
Other names: c.2516A>T, p.Tyr839Phe (NM_001281492.2); c.2000A>T, p.Tyr667Phe (NM_001281493.2, NM_001281494.2); short protein forms Y969F, Y839F, Y667F.
Identifiers: ClinVar variation 141296 (VCV000141296.22), dbSNP rs63749919, ClinGen allele CA011081.
Genomic context (GRCh38, chr2:47,800,889, plus strand): 5'-AGAGCCTCCTGGAATACCTAGAGAAACAGCGCAACAGAATTGGCTGTAGGACCATAGTCT[A>T]TTGGGGGATTGGTAGGAACCGTTACCAGCTGGAAATTCCTGAGAATTTCACCACTCGCAA-3'
Protein context (NP_000170.1, residues 959-979): RNRIGCRTIV[Tyr969Phe]WGIGRNRYQL